The following is an entry in ClinVar:

NM_138295.5(PKD1L1):c.160+1G>A

Gene: PKD1L1 (polycystin 1 like 1, transient receptor potential channel interacting; minus strand). Cytogenetic location: 7p12.3.
Variant type: single nucleotide variant.
Coding change: c.160+1G>A on transcript NM_138295.5 (MANE Select); the canonical splice donor site of the intron after coding-DNA position 160, G replaced by A.
Molecular consequence: splice donor variant.
Genome position (GRCh38, 1-based): chr7:47,943,395, C>T on the plus strand (G>A on the coding strand, the complement: PKD1L1 is on the minus strand). VCF-style: chr7-47943395-C-T. GRCh37 (hg19) VCF-style: chr7-47982992-C-T.
Other names: IVS2, G-A, +1.
Identifiers: ClinVar variation 873155 (VCV000873155.4), dbSNP rs753911740, ClinGen allele CA4254468.
Genomic context (GRCh38, chr7:47,943,395, plus strand): 5'-ACCAGGGAAATAAAGCAACATTCTTATCATGGTGGCCATGCCTCCTTCCCCAAGGCCTTA[C>T]CGACCCACAATCCACCTCCAGGAGGGCTACAGCTGCACAGATGAAGACCCCAGCTCTTGT-3'

ClinVar aggregate classification (germline): Pathogenic. Review status: no assertion criteria provided (0 of 4 stars). 2 submissions from 2 submitters: Pathogenic (2). Last evaluated 2023-08-04.

Conditions:
Heterotaxy, visceral, 8, autosomal (HTX8). Identifiers: MedGen C4310668, MONDO:0014967, OMIM 617205.
Visceral heterotaxy. Also called: Heterotaxy syndrome; Heterotaxia. Identifiers: Orphanet 450, MedGen C3178805, MONDO:0018677.

Allele frequency attached by ClinVar (database versions not stated): gnomAD 0.00001; ExAC 0.00002; gnomAD exomes 0.00002.
gnomAD v4.1: 12 of 1,612,158 alleles (0.00074%); highest among the groups gnomAD compares: South Asian, 0.012%; no homozygotes.

Submissions (2):

OMIM
Classification: Pathogenic for HETEROTAXY, VISCERAL, 8, AUTOSOMAL. Last evaluated: 2023-08-04. Review status: no assertion criteria provided. Collection method: literature only. Allele origin: germline.

Division of Medical Genetics, Department of Pediatrics, All India Institute of Medical Sciences, New Delhi
Classification: Pathogenic for Heterotaxy; Heterotaxy, visceral, 8, autosomal. Last evaluated: 2020-01-09. Review status: no assertion criteria provided. Collection method: clinical testing. Allele origin: germline. Inheritance: Autosomal recessive inheritance. Affected: yes. Observed: 1 compound heterozygote.
Comment: This variant (NM_138295.3:c.160+1G>A) is in compound heterozygous state with other previously reported variant c.8005C>T (p.Arg2669Ter) on RefSeq id: NM_138295.3

Literature cited by the submitters: PubMed 33655537 (cited by OMIM).